The following is an entry in ClinVar:

ClinVar aggregate classification (germline): Uncertain significance (1 of 4 stars; one submission).

Submission:

CeGaT Center for Human Genetics Tuebingen
Classification: Uncertain significance. Last evaluated: 2025-02-01. Review status: criteria provided, single submitter. Criteria: CeGaT Center For Human Genetics Tuebingen Variant Classification Criteria Version 2. Collection method: clinical testing. Allele origin: germline. Affected: yes. Observed: 1 variant allele.
Comment: TRAPPC11: PM2

NM_021942.6(TRAPPC11):c.791T>G (p.Ile264Ser)

Gene: TRAPPC11 (trafficking protein particle complex subunit 11; plus strand). Cytogenetic location: 4q35.1.
Variant type: single nucleotide variant.
Coding change: c.791T>G on transcript NM_021942.6 (MANE Select); coding-DNA position 791, T replaced by G.
Protein change: p.Ile264Ser; replaces isoleucine 264 with serine.
Molecular consequence: missense variant.
Genome position (GRCh38, 1-based): chr4:183,677,514, T>G. VCF-style: chr4-183677514-T-G. GRCh37 (hg19) VCF-style: chr4-184598667-T-G.
Other names: c.791T>G, p.Ile264Ser (NM_199053.3); short protein forms I264S.
Identifiers: ClinVar variation 3772407 (VCV003772407.13).